The following is an entry in ClinVar:

NM_000426.4(LAMA2):c.2528_2537+15del

Gene: LAMA2 (laminin subunit alpha 2; plus strand). Cytogenetic location: 6q22.33.
Variant type: Deletion.
Coding change: c.2528_2537+15del on transcript NM_000426.4 (MANE Select); coding-DNA position 2528 through 15 bases into the intron after coding-DNA position 2537, 25 bases deleted (GCTGTGAGAGGTAAGAGTATACTAC).
Molecular consequence: splice donor variant.
Genome position (GRCh38, 1-based): chr6:129,280,138-129,280,162, GCTGTGAGAGGTAAGAGTATACTAC deleted; deleting any 25 consecutive bases within chr6:129,280,136-129,280,162 gives the same sequence; the c. name uses the placement nearest the transcript's 3' end. VCF-style (leftmost placement, unchanged base first): chr6-129280135-CACGCTGTGAGAGGTAAGAGTATACT-C. GRCh37 (hg19) VCF-style: chr6-129601280-CACGCTGTGAGAGGTAAGAGTATACT-C.
Other names: c.2528_2537+15del (NM_001079823.2).
Identifiers: ClinVar variation 4819336 (VCV004819336.1).

ClinVar aggregate classification (germline): Likely pathogenic (1 of 4 stars; one submission).

Conditions:
Merosin deficient congenital muscular dystrophy (MDC1A). Also called: Congenital Muscular Dystrophy Type 1A (MDC1A); Congenital merosin-deficient muscular dystrophy 1A. Identifiers: Orphanet 258, MedGen C1263858, MONDO:0011925, OMIM 607855.

Submission:

Clinical Biomedical Laboratory, Shriners Hospital For Children - Canada
Classification: Likely pathogenic for Merosin deficient congenital muscular dystrophy. Review status: criteria provided, single submitter. Criteria: ACMG Guidelines, 2015. Collection method: clinical testing. Allele origin: germline. Affected: yes.
Comment: This variant is predicted to delete 25 bp from exon 18 and the adjacent region of intron 18 in LAMA2. The deletion abolishes a splice site and therefore is expected to lead to a splice defect and at least partial loss of function. Loss of function variants in LAMA2 are associated with LAMA2-related muscular dystrophy, also known as merosin-deficient congenital muscular dystrophy, which has significant overlap with the phenotype of the proband. This variant is absent from the Genome Aggregation Database (v2.1.1.), indicating it is very rare. Based on the ACMG variant interpretation guidelines (criteria: PVS1, PM2, PM3), the available evidence supports classification of this variant as likely pathogenic.